The following is an entry in ClinVar:

NM_001004334.4(GPR179):c.2050A>C (p.Lys684Gln)

Gene: GPR179 (G protein-coupled receptor 179; minus strand). Cytogenetic location: 17q12.
Variant type: single nucleotide variant.
Coding change: c.2050A>C on transcript NM_001004334.4 (MANE Select); coding-DNA position 2050, A replaced by C.
Protein change: p.Lys684Gln; replaces lysine 684 with glutamine.
Molecular consequence: missense variant.
Genome position (GRCh38, 1-based): chr17:38,331,519, T>G on the plus strand (A>C on the coding strand, the complement: GPR179 is on the minus strand). VCF-style: chr17-38331519-T-G. GRCh37 (hg19) VCF-style: chr17-36487402-T-G.
Other names: c.2050A>C (NM_001004334.2); short protein forms K684Q.
Identifiers: ClinVar variation 1428377 (VCV001428377.5), dbSNP rs745638608, ClinGen allele CA290106156.

ClinVar aggregate classification (germline): Uncertain significance. Review status: criteria provided, multiple submitters, no conflicts (2 of 4 stars). 2 submissions from 2 submitters: Uncertain significance (2). Last evaluated 2026-05-06.

Conditions:
Inborn genetic diseases. Identifiers: MedGen C0950123, MeSH D030342.

Allele frequency attached by ClinVar (database versions not stated): gnomAD 0.00001; gnomAD exomes 0.00001 and below 0.00001; TOPMed below 0.00001; ExAC 0.00001.
gnomAD v4.1: 6 of 1,605,036 alleles (0.00037%); highest among the groups gnomAD compares: African/African-American, 0.0053%; no homozygotes.

Submissions (2):

Ambry Genetics
Classification: Uncertain significance for Inborn genetic diseases. Last evaluated: 2026-05-06. Review status: criteria provided, single submitter. Criteria: Ambry Variant Classification Scheme 2023. Collection method: clinical testing. Allele origin: germline.
Comment: The c.2050A>C (p.K684Q) alteration is located in exon 11 (coding exon 11) of the GPR179 gene. This alteration results from a A to C substitution at nucleotide position 2050, causing the lysine (K) at amino acid position 684 to be replaced by a glutamine (Q). Based on data from gnomAD, the C allele has an overall frequency of 0.001% (2/245254) total alleles studied. The highest observed frequency was 0.007% (1/15470) of African alleles. Based on insufficient or conflicting evidence, the clinical significance of this alteration remains unclear.

Labcorp Genetics (formerly Invitae), Labcorp
Classification: Uncertain significance. Last evaluated: 2022-06-29. Review status: criteria provided, single submitter. Criteria: Invitae Variant Classification Sherloc (09022015). Collection method: clinical testing. Allele origin: germline.
Comment: In summary, the available evidence is currently insufficient to determine the role of this variant in disease. Therefore, it has been classified as a Variant of Uncertain Significance. Algorithms developed to predict the effect of missense changes on protein structure and function are either unavailable or do not agree on the potential impact of this missense change (SIFT: "Deleterious"; PolyPhen-2: "Probably Damaging"; Align-GVGD: "Class C0"). This variant has not been reported in the literature in individuals affected with GPR179-related conditions. This variant is present in population databases (rs745638608, gnomAD 0.007%). This sequence change replaces lysine, which is basic and polar, with glutamine, which is neutral and polar, at codon 684 of the GPR179 protein (p.Lys684Gln).